The following is an entry in ClinVar:

ClinVar aggregate classification (germline): Uncertain significance. Review status: criteria provided, single submitter (1 of 4 stars). 2 submissions from 2 submitters: Uncertain significance (1). 1 of the submissions does not count toward it. Last evaluated 2022-04-17.

Conditions:
Multiple acyl-CoA dehydrogenase deficiency (MADD). Also called: Glutaric aciduria, type 2; Glutaric acidemia type II; GA 2; ETHYLMALONIC-ADIPICACIDURIA; GA II; Glutaric Acidemia type 2. Identifiers: Orphanet 26791, MedGen C0268596, MONDO:0009282, OMIM 231680.
Glutaric acidemia type 2A.

Allele frequency attached by ClinVar (database versions not stated): ExAC 0.00001; gnomAD exomes 0.00001 and 0.00003; TOPMed 0.00001; gnomAD 0.00002; ESP Exome Variant Server 0.00008.
gnomAD v4.1: 50 of 1,612,166 alleles (0.0031%); highest among the groups gnomAD compares: Non-Finnish European, 0.0041%; no homozygotes.

Submissions (2):

Labcorp Genetics (formerly Invitae), Labcorp
Classification: Uncertain significance for Multiple acyl-CoA dehydrogenase deficiency. Last evaluated: 2022-04-17. Review status: criteria provided, single submitter. Criteria: Invitae Variant Classification Sherloc (09022015). Collection method: clinical testing. Allele origin: germline.
Comment: This sequence change replaces isoleucine, which is neutral and non-polar, with valine, which is neutral and non-polar, at codon 307 of the ETFA protein (p.Ile307Val). This variant is present in population databases (rs373896010, gnomAD 0.003%). This variant has not been reported in the literature in individuals affected with ETFA-related conditions. ClinVar contains an entry for this variant (Variation ID: 1057077). Algorithms developed to predict the effect of missense changes on protein structure and function (SIFT, PolyPhen-2, Align-GVGD) all suggest that this variant is likely to be disruptive. In summary, the available evidence is currently insufficient to determine the role of this variant in disease. Therefore, it has been classified as a Variant of Uncertain Significance.

Natera, Inc.
Classification: Uncertain significance for Glutaric acidemia type 2A. Last evaluated: 2020-04-06. Review status: no assertion criteria provided. Collection method: clinical testing. Allele origin: germline. Not counted in ClinVar's aggregate classification.

NM_000126.4(ETFA):c.919A>G (p.Ile307Val)

Gene: ETFA (electron transfer flavoprotein subunit alpha; minus strand). Cytogenetic location: 15q24.2.
Variant type: single nucleotide variant.
Coding change: c.919A>G on transcript NM_000126.4 (MANE Select); coding-DNA position 919, A replaced by G.
Protein change: p.Ile307Val; replaces isoleucine 307 with valine.
Molecular consequence: missense variant.
Genome position (GRCh38, 1-based): chr15:76,225,893, T>C on the plus strand (A>G on the coding strand, the complement: ETFA is on the minus strand). VCF-style: chr15-76225893-T-C. GRCh37 (hg19) VCF-style: chr15-76518234-T-C.
Other names: c.772A>G, p.Ile258Val (NM_001127716.2); short protein forms I258V, I307V.
Identifiers: ClinVar variation 1057077 (VCV001057077.3), dbSNP rs373896010, ClinGen allele CA7673557.
Genomic context (GRCh38, chr15:76,225,893, plus strand): 5'-CTCAAGGCCAGCTTACCTTAAATAAATCTGCAACTATTCCATAATCTGCCACTTGGAAAA[T>C]TGGAGCTTCTGGGTCTTTATTAATTGCCACAATTGTCTGTGAAATAAAAACAAAGAGTTT-3'
Protein context (NP_000117.1, residues 297-317): VAINKDPEAP[Ile307Val]FQVADYGIVA